The following is an entry in ClinVar:

NM_173630.4(RTTN):c.1926G>A (p.Thr642=)

Gene: RTTN (rotatin; minus strand). Cytogenetic location: 18q22.2.
Variant type: single nucleotide variant.
Coding change: c.1926G>A on transcript NM_173630.4 (MANE Select); coding-DNA position 1926, G replaced by A.
Protein change: p.Thr642=; no amino-acid change (threonine 642 retained).
Molecular consequence: synonymous variant. On other transcripts: 5 prime UTR variant (1).
Genome position (GRCh38, 1-based): chr18:70,166,065, C>T on the plus strand (G>A on the coding strand, the complement: RTTN is on the minus strand). VCF-style: chr18-70166065-C-T. GRCh37 (hg19) VCF-style: chr18-67833301-C-T.
Other names: c.-722G>A (NM_001318520.2).
Identifiers: ClinVar variation 2976670 (VCV002976670.10), dbSNP rs267605252, ClinGen allele CA8996057.
Genomic context (GRCh38, chr18:70,166,065, plus strand): 5'-CAAGAGAGTCTACTATTTGTTCTCAAAAACAAAACATACGAAAAAACAAAACCTCACCTT[C>T]GTGATTTCCAGACAGCAGTGGTAAGTTTCAGCTTTCACTCGTGGCAATGGGTGAGACAAC-3'
Protein context (NP_775901.3, residues 632-652): AETYHCCLEI[Thr642=]KECLGVHNVT

ClinVar aggregate classification (germline): Likely benign. Review status: criteria provided, multiple submitters, no conflicts (2 of 4 stars). 2 submissions from 2 submitters: Likely benign (2). Last evaluated 2026-03-01.

Allele frequency attached by ClinVar (database versions not stated): gnomAD 0.00001; ExAC 0.00002; TOPMed 0.00002.
gnomAD v4.1: 17 of 1,613,298 alleles (0.0011%); highest among the groups gnomAD compares: Non-Finnish European, 0.0014%; no homozygotes.

Submissions (2):

CeGaT Center for Human Genetics Tuebingen
Classification: Likely benign. Last evaluated: 2026-03-01. Review status: criteria provided, single submitter. Criteria: CeGaT Center For Human Genetics Tuebingen Variant Classification Criteria Version 2. Collection method: clinical testing. Allele origin: germline. Affected: yes. Observed: 3 variant alleles.
Comment: RTTN: BP4, BP7

Labcorp Genetics (formerly Invitae), Labcorp
Classification: Likely benign. Last evaluated: 2024-10-09. Review status: criteria provided, single submitter. Criteria: Invitae Variant Classification Sherloc (09022015). Collection method: clinical testing. Allele origin: germline.